The following is an entry in ClinVar:

NM_000975.5(RPL11):c.490C>T (p.Arg164Cys)

Gene: RPL11 (ribosomal protein L11; plus strand). Cytogenetic location: 1p36.11.
Variant type: single nucleotide variant.
Coding change: c.490C>T on transcript NM_000975.5 (MANE Select); coding-DNA position 490, C replaced by T.
Protein change: p.Arg164Cys; replaces arginine 164 with cysteine.
Molecular consequence: missense variant.
Genome position (GRCh38, 1-based): chr1:23,695,891, C>T. VCF-style: chr1-23695891-C-T. GRCh37 (hg19) VCF-style: chr1-24022381-C-T.
Other names: c.487C>T, p.Arg163Cys (NM_001199802.1); short protein forms R164C, R163C.
Identifiers: ClinVar variation 2144643 (VCV002144643.4), dbSNP rs777313952, ClinGen allele CA684300.

ClinVar aggregate classification (germline): Uncertain significance (1 of 4 stars; one submission).

Conditions:
Diamond-Blackfan anemia. Also called: Blackfan Diamond syndrome; Aregenerative anemia chronic congenital; Red cell aplasia, pure hereditary; Congenital hypoplastic anemia; Aase syndrome. Identifiers: Orphanet 124, MedGen C1260899, MeSH D029503, MONDO:0015253, HP:0004810.

Allele frequency attached by ClinVar (database versions not stated): TOPMed below 0.00001; gnomAD exomes 0.00001; ExAC 0.00002; gnomAD 0.00002.
gnomAD v4.1: 15 of 1,586,386 alleles (0.00095%); highest among the groups gnomAD compares: Non-Finnish European, 0.0013%; no homozygotes.

Submission:

Labcorp Genetics (formerly Invitae), Labcorp
Classification: Uncertain significance for Diamond-Blackfan anemia. Last evaluated: 2022-09-10. Review status: criteria provided, single submitter. Criteria: Invitae Variant Classification Sherloc (09022015). Collection method: clinical testing. Allele origin: germline.
Comment: Algorithms developed to predict the effect of missense changes on protein structure and function are either unavailable or do not agree on the potential impact of this missense change (SIFT: "Deleterious"; PolyPhen-2: "Benign"; Align-GVGD: "Class C15"). In summary, the available evidence is currently insufficient to determine the role of this variant in disease. Therefore, it has been classified as a Variant of Uncertain Significance. Algorithms developed to predict the effect of sequence changes on RNA splicing suggest that this variant may disrupt the consensus splice site. This sequence change replaces arginine, which is basic and polar, with cysteine, which is neutral and slightly polar, at codon 164 of the RPL11 protein (p.Arg164Cys). The frequency data for this variant in the population databases is considered unreliable, as metrics indicate poor data quality at this position in the gnomAD database. This variant has not been reported in the literature in individuals affected with RPL11-related conditions.